The following is an entry in ClinVar:

ClinVar aggregate classification (germline): Likely benign. Review status: criteria provided, multiple submitters, no conflicts (2 of 4 stars). 6 submissions from 6 submitters: Likely benign (4). 2 of the submissions do not count toward it. Last evaluated 2024-06-11.

Conditions:
CDH23-related disorder. Also called: CDH23-related condition; CDH23-related disorders.
Usher syndrome type 1 (USH1). Also called: RETINITIS PIGMENTOSA AND CONGENITAL DEAFNESS. Identifiers: Orphanet 231169, Orphanet 886, MedGen C1568247, MONDO:0010168, OMIM 276900.

Allele frequency attached by ClinVar (database versions not stated): gnomAD exomes 0.00032; ESP Exome Variant Server 0.00055; ExAC 0.00057; gnomAD 0.00143 and 0.00151; TOPMed 0.00156; 1000 Genomes Project 0.00200; 1000 Genomes Project 30x 0.00250.
gnomAD v4.1: 440 of 1,607,384 alleles (0.027%); highest among the groups gnomAD compares: African/African-American, 0.5%; 1 homozygote.

Submissions (6):

Blueprint Genetics
Classification: Likely benign. Last evaluated: 2024-06-11. Review status: criteria provided, single submitter. Criteria: ACMG Guidelines, 2015. Collection method: clinical testing. Allele origin: germline.

GeneDx
Classification: Likely benign. Last evaluated: 2021-04-27. Review status: criteria provided, single submitter. Criteria: GeneDx Variant Classification Process June 2021. Collection method: clinical testing. Allele origin: germline. Affected: yes.

Labcorp Genetics (formerly Invitae), Labcorp
Classification: Likely benign. Last evaluated: 2019-12-31. Review status: criteria provided, single submitter. Criteria: Invitae Variant Classification Sherloc (09022015). Collection method: clinical testing. Allele origin: germline.

Eurofins Ntd Llc (ga)
Classification: Likely benign. Last evaluated: 2018-04-04. Review status: criteria provided, single submitter. Criteria: EGL ClinVar v180209 classification definitions. Collection method: clinical testing. Allele origin: germline. Observed: 2 variant alleles, 2 heterozygotes.

Natera, Inc.
Classification: Likely benign for Usher syndrome type 1. Last evaluated: 2020-09-16. Review status: no assertion criteria provided. Collection method: clinical testing. Allele origin: germline. Not counted in ClinVar's aggregate classification.

PreventionGenetics, part of Exact Sciences
Classification: Likely benign for CDH23-related condition. Last evaluated: 2020-05-21. Review status: no assertion criteria provided. Collection method: clinical testing. Allele origin: germline. Not counted in ClinVar's aggregate classification.
Comment: This variant is classified as likely benign based on ACMG/AMP sequence variant interpretation guidelines (Richards et al. 2015 PMID: 25741868, with internal and published modifications).

NM_022124.6(CDH23):c.3010G>A (p.Val1004Met)

Gene: CDH23 (cadherin related 23; plus strand). Cytogenetic location: 10q22.1.
Variant type: single nucleotide variant.
Coding change: c.3010G>A on transcript NM_022124.6 (MANE Select); coding-DNA position 3010, G replaced by A.
Protein change: p.Val1004Met; replaces valine 1004 with methionine.
Molecular consequence: missense variant.
Genome position (GRCh38, 1-based): chr10:71,706,953, G>A. VCF-style: chr10-71706953-G-A. GRCh37 (hg19) VCF-style: chr10-73466710-G-A.
Other names: c.3010G>A, p.Val1004Met (NM_001171930.2, NM_001171931.2); short protein forms V1004M.
Identifiers: ClinVar variation 195986 (VCV000195986.15), dbSNP rs79705488, ClinGen allele CA242711.